The following is an entry in ClinVar:

ClinVar aggregate classification (germline): Pathogenic/Likely pathogenic. Review status: criteria provided, multiple submitters, no conflicts (2 of 4 stars). 2 submissions from 2 submitters: Pathogenic (1); Likely pathogenic (1). Last evaluated 2020-10-27.

Conditions:
Primary ciliary dyskinesia. Also called: Ciliary dyskinesia. Identifiers: Orphanet 244, MedGen C0008780, MONDO:0016575, HP:0012265.

Allele frequency attached by ClinVar (database versions not stated): gnomAD exomes below 0.00001; ExAC 0.00001; gnomAD 0.00001; TOPMed 0.00001.
gnomAD v4.1: 9 of 1,614,076 alleles (0.00056%); highest among the groups gnomAD compares: Non-Finnish European, 0.00076%; no homozygotes.

Submissions (2):

Labcorp Genetics (formerly Invitae), Labcorp
Classification: Pathogenic for Primary ciliary dyskinesia. Last evaluated: 2020-10-27. Review status: criteria provided, single submitter. Criteria: Invitae Variant Classification Sherloc (09022015). Collection method: clinical testing. Allele origin: germline.
Comment: For these reasons, this variant has been classified as Pathogenic. This variant has not been reported in the literature in individuals with DNAH5-related conditions. ClinVar contains an entry for this variant (Variation ID: 977578). This variant is present in population databases (rs769260126, ExAC 0.001%). This sequence change creates a premature translational stop signal (p.Ser2103*) in the DNAH5 gene. It is expected to result in an absent or disrupted protein product. Loss-of-function variants in DNAH5 are known to be pathogenic (PMID: 11788826, 16627867).

UNC Molecular Genetics  Laboratory, University of North Carolina at Chapel Hill
Classification: Likely pathogenic for Primary ciliary dyskinesia. Last evaluated: 2018-07-05. Review status: criteria provided, single submitter. Criteria: ACMG Guidelines, 2015. Collection method: clinical testing. Allele origin: germline. Affected: yes. Observed: 1 compound heterozygote.

Literature cited by the submitters: PubMed 11788826 (cited by Labcorp Genetics (formerly Invitae), Labcorp); PubMed 16627867 (cited by Labcorp Genetics (formerly Invitae), Labcorp).

NM_001369.3(DNAH5):c.6308C>A (p.Ser2103Ter)

Gene: DNAH5 (dynein axonemal heavy chain 5; minus strand). Cytogenetic location: 5p15.2.
Variant type: single nucleotide variant.
Coding change: c.6308C>A on transcript NM_001369.3 (MANE Select); coding-DNA position 6308, C replaced by A.
Protein change: p.Ser2103Ter; replaces serine 2103 with a stop codon.
Molecular consequence: nonsense.
Genome position (GRCh38, 1-based): chr5:13,829,646, G>T on the plus strand (C>A on the coding strand, the complement: DNAH5 is on the minus strand). VCF-style: chr5-13829646-G-T. GRCh37 (hg19) VCF-style: chr5-13829755-G-T.
Other names: short protein forms S2103*.
Identifiers: ClinVar variation 977578 (VCV000977578.9), dbSNP rs769260126, ClinGen allele CA3203430.
Genomic context (GRCh38, chr5:13,829,646, plus strand): 5'-CCACAACTAGCCAACTTCACCCTTATGATAATCTGACGGTCAGGCACCATCATGGCCACT[G>T]AGCGGAAATTAATCTTCAAGTTTTCAGGGAGTTCCTGCCGTCCGGCATAGCCAGGATTCT-3'